The following is an entry in ClinVar:

NM_015208.5(ANKRD12):c.2600_2604del (p.Ile867fs)

Gene: ANKRD12 (ankyrin repeat domain 12; plus strand). Cytogenetic location: 18p11.22.
Variant type: Microsatellite.
Coding change: c.2600_2604del on transcript NM_015208.5 (MANE Select); coding-DNA positions 2600 to 2604, 5 bases deleted (TAAAA; older notation c.2600_2604delTAAAA).
Protein change: p.Ile867fs; shifts the reading frame from isoleucine 867.
Molecular consequence: frameshift variant.
Genome position (GRCh38, 1-based): chr18:9,255,867-9,255,871, TAAAA deleted; deleting any 5 consecutive bases within chr18:9,255,861-9,255,871 gives the same sequence; the c. name uses the placement nearest the transcript's 3' end. VCF-style (leftmost placement, unchanged base first): chr18-9255860-GATAAA-G. GRCh37 (hg19) VCF-style: chr18-9255858-GATAAA-G.
Other names: c.2531_2535del, p.Ile844fs (NM_001083625.3, NM_001204056.1); short protein forms I844fs, I867fs.
Identifiers: ClinVar variation 931765 (VCV000931765.3), dbSNP rs775076664, ClinGen allele CA8887871.

ClinVar aggregate classification (germline): Uncertain significance (1 of 4 stars; one submission).

Submission:

Centre for Mendelian Genomics, University Medical Centre Ljubljana
Classification: Uncertain significance. Last evaluated: 2019-08-21. Review status: criteria provided, single submitter. Criteria: ACMG Guidelines, 2015. Collection method: clinical testing. Allele origin: unknown. Affected: yes.
Comment: This variant was classified as: Uncertain significance. The available evidence on this variant's pathogenicity is insufficient or conflicting. The following ACMG criteria were applied in classifying this variant: PM2.